The following is an entry in ClinVar:

ClinVar aggregate classification (germline): Conflicting classifications of pathogenicity. Review status: criteria provided, conflicting classifications (1 of 4 stars). 5 submissions from 5 submitters: Likely pathogenic (1); Uncertain significance (3). 1 of the submissions does not count toward it. Last evaluated 2025-12-19.

Conditions:
Wilson disease (WND). Also called: Wilson's disease. Identifiers: Orphanet 905, MedGen C0019202, MONDO:0010200, OMIM 277900. Disease mechanism: loss of function.

Allele frequency attached by ClinVar (database versions not stated): TOPMed 0.00014; ExAC 0.00001; gnomAD exomes 0.00003; gnomAD 0.00009 and 0.00011.

Submissions (5):

Women's Health and Genetics/Laboratory Corporation of America, LabCorp
Classification: Uncertain significance. Last evaluated: 2025-12-19. Review status: criteria provided, single submitter. Criteria: LabCorp Variant Classification Summary - May 2015. Collection method: clinical testing. Allele origin: germline.
Comment: Variant summary: ATP7B c.3G>A (p.Met1Ile) alters the initiation codon and is predicted to result either in absence of the protein or truncation of the encoded protein due to translation initiation at a downstream codon. The next in-frame methionine is at codon 33. The variant allele was found at a frequency of 3.2e-05 in 249396 control chromosomes. The available data on variant occurrences in the general population are insufficient to allow any conclusion about variant significance. To our knowledge, no occurrence of c.3G>A in individuals affected with ATP7B-related conditions and no experimental evidence demonstrating its impact on protein function have been reported. ClinVar contains an entry for this variant (Variation ID: 552796). Based on the evidence outlined above, the variant was classified as uncertain significance.

All of Us Research Program, National Institutes of Health
Classification: Uncertain significance for Wilson disease. Last evaluated: 2024-07-29. Review status: criteria provided, single submitter. Criteria: ACMG Guidelines, 2015. Collection method: clinical testing. Allele origin: germline. Inheritance: Autosomal recessive inheritance. Observed: 4 variant alleles, 4 heterozygotes.
Comment: This variant results in the loss of the translation initiator methionine at codon 1 of the ATP7B protein. An alternate in-frame methionine downstream of the initiator methionine occurs at codon 33, before the first known functional domain. To our knowledge, functional studies have not been reported for this variant. This variant has not been reported in individuals affected with ATP7B-related disorders in the literature. This variant has been identified in 8/249396 chromosomes in the general population by the Genome Aggregation Database (gnomAD). The available evidence is insufficient to determine the role of this variant in disease conclusively. Therefore, this variant is classified as a Variant of Uncertain Significance.

This study involves interpretation of variants in research participants for the purpose of population health screening. Participant phenotype was not available at the time of variant classification. Additional details can be found in publication PMID: 35346344, PMCID: PMC8962531

Fulgent Genetics
Classification: Likely pathogenic for Wilson disease. Last evaluated: 2024-03-06. Review status: criteria provided, single submitter. Criteria: ACMG Guidelines, 2015. Collection method: clinical testing. Allele origin: germline.

Labcorp Genetics (formerly Invitae), Labcorp
Classification: Uncertain significance for Wilson disease. Last evaluated: 2022-07-18. Review status: criteria provided, single submitter. Criteria: Invitae Variant Classification Sherloc (09022015). Collection method: clinical testing. Allele origin: germline.
Comment: This sequence change affects the initiator methionine of the ATP7B mRNA. The next in-frame methionine is located at codon 33. This variant is present in population databases (rs750530407, gnomAD 0.02%). This variant has not been reported in the literature in individuals affected with ATP7B-related conditions. ClinVar contains an entry for this variant (Variation ID: 552796). In summary, the available evidence is currently insufficient to determine the role of this variant in disease. Therefore, it has been classified as a Variant of Uncertain Significance.

Counsyl
Classification: Likely pathogenic for Wilson disease. Last evaluated: 2017-07-07. Review status: no assertion criteria provided. Collection method: clinical testing. Allele origin: unknown. Not counted in ClinVar's aggregate classification.

NM_000053.4(ATP7B):c.3G>A (p.Met1Ile)

Gene: ATP7B (ATPase copper transporting beta; minus strand). Cytogenetic location: 13q14.3.
Variant type: single nucleotide variant.
Coding change: c.3G>A on transcript NM_000053.4 (MANE Select); coding-DNA position 3, G replaced by A.
Protein change: p.Met1Ile; changes the start codon (methionine 1).
Molecular consequence: missense variant, initiator codon variant.
Genome position (GRCh38, 1-based): chr13:52,011,335, C>T on the plus strand (G>A on the coding strand, the complement: ATP7B is on the minus strand). VCF-style: chr13-52011335-C-T. GRCh37 (hg19) VCF-style: chr13-52585471-C-T.
Other names: c.3G>A, p.Met1Ile (NM_001005918.3, NM_001243182.2, NM_001330578.2 and 1 more transcripts); short protein forms M1I.
Identifiers: ClinVar variation 552796 (VCV000552796.8), dbSNP rs750530407, ClinGen allele CA6989721.
Genomic context (GRCh38, chr13:52,011,335, plus strand): 5'-AACAAAACTCACTTTCCGACTGGCCCCTTCTCTGGCTGTGATCTGTCTCTCCTGCTCAGG[C>T]ATCGTCCCGCACGGACACCGAATTCTTCTCTGATCTGGCTCAGAGCAAAAGGTCACCTGG-3'
Protein context (NP_000044.2, residues 1-11): [Met1Ile]PEQERQITAR